The following is an entry in ClinVar:

ClinVar aggregate classification (germline): Pathogenic/Likely pathogenic. Review status: criteria provided, multiple submitters, no conflicts (2 of 4 stars). 4 submissions from 4 submitters: Pathogenic (2); Likely pathogenic (1). 1 of the submissions does not count toward it. Last evaluated 2024-08-09.

Conditions:
Complex neurodevelopmental disorder. Identifiers: Orphanet 528084, MedGen C5568766, MONDO:0100038.
Developmental and epileptic encephalopathy 94 (DEE94). Also called: Epileptic encephalopathy, childhood-onset; CHD2-Related Neurodevelopmental Disorders. Identifiers: Orphanet 1942, Orphanet 2382, MedGen C3809278, MONDO:0014150, OMIM 615369.

Submissions (4):

GeneDx
Classification: Pathogenic. Last evaluated: 2024-08-09. Review status: criteria provided, single submitter. Criteria: GeneDx Variant Classification Process June 2021. Collection method: clinical testing. Allele origin: germline. Affected: yes.
Comment: Not observed at significant frequency in large population cohorts (gnomAD); In silico analysis supports that this missense variant has a deleterious effect on protein structure/function; This variant is associated with the following publications: (PMID: 30525188, 35982159, 28191889, 33004838, 35982160, 33057194)

Labcorp Genetics (formerly Invitae), Labcorp
Classification: Pathogenic for Developmental and epileptic encephalopathy 94. Last evaluated: 2022-03-19. Review status: criteria provided, single submitter. Criteria: Invitae Variant Classification Sherloc (09022015). Collection method: clinical testing. Allele origin: germline.
Comment: For these reasons, this variant has been classified as Pathogenic. Advanced modeling of protein sequence and biophysical properties (such as structural, functional, and spatial information, amino acid conservation, physicochemical variation, residue mobility, and thermodynamic stability) performed at Invitae indicates that this missense variant is expected to disrupt CHD2 protein function. ClinVar contains an entry for this variant (Variation ID: 560973). This missense change has been observed in individual(s) with clinical features of CHD2-related conditions (PMID: 25326635, 30525188). In at least one individual the variant was observed to be de novo. This variant is not present in population databases (gnomAD no frequency). This sequence change replaces arginine, which is basic and polar, with glutamine, which is neutral and polar, at codon 900 of the CHD2 protein (p.Arg900Gln).

Baylor Genetics
Classification: Likely pathogenic for Developmental and epileptic encephalopathy 94. Review status: criteria provided, single submitter. Criteria: ACMG Guidelines, 2015. Collection method: clinical testing. Allele origin: unknown.

Solve-RD Consortium
Classification: Likely pathogenic for Developmental and epileptic encephalopathy 94. Last evaluated: 2022-06-01. Review status: no assertion criteria provided. Collection method: provider interpretation. Allele origin: inherited. Affected: yes. Not counted in ClinVar's aggregate classification.
Comment: Variant confirmed as disease-causing by referring clinical team

Variant identified during reanalysis of unsolved cases by the Solve-RD project. The Solve-RD project has received funding from the European Union’s Horizon 2020 research and innovation programme under grant agreement No 779257.

Literature cited by the submitters: PubMed 25326635 (cited by Labcorp Genetics (formerly Invitae), Labcorp and Baylor Genetics); PubMed 30525188 (cited by Labcorp Genetics (formerly Invitae), Labcorp); PubMed 39825153 (cited by Solve-RD Consortium).

NM_001271.4(CHD2):c.2699G>A (p.Arg900Gln)

Gene: CHD2 (chromodomain helicase DNA binding protein 2; plus strand). Cytogenetic location: 15q26.1.
Variant type: single nucleotide variant.
Coding change: c.2699G>A on transcript NM_001271.4 (MANE Select); coding-DNA position 2699, G replaced by A.
Protein change: p.Arg900Gln; replaces arginine 900 with glutamine.
Molecular consequence: missense variant.
Genome position (GRCh38, 1-based): chr15:92,978,355, G>A. VCF-style: chr15-92978355-G-A. GRCh37 (hg19) VCF-style: chr15-93521585-G-A.
Other names: short protein forms R900Q.
Identifiers: ClinVar variation 560973 (VCV000560973.19), dbSNP rs1567149946, ClinGen allele CA393893918.